The following is an entry in ClinVar:

ClinVar aggregate classification (germline): Uncertain significance (1 of 4 stars; one submission).

Conditions:
Marfan syndrome (MFS). Also called: MARFAN SYNDROME, TYPE I; Marfan syndrome type 1; Marfan's syndrome; FBN1-Related Marfan Syndrome; Marfan syndrome, classic. Identifiers: Orphanet 284963, Orphanet 558, MedGen C0024796, MONDO:0007947, OMIM 154700.

gnomAD v4.1: 2 of 1,614,096 alleles (0.00012%); highest among the groups gnomAD compares: African/African-American, 0.0027%; no homozygotes.

Submission:

All of Us Research Program, National Institutes of Health
Classification: Uncertain significance for Marfan syndrome. Last evaluated: 2024-08-06. Review status: criteria provided, single submitter. Criteria: ACMG Guidelines, 2015. Collection method: clinical testing. Allele origin: germline. Inheritance: Autosomal dominant inheritance. Observed: 1 variant allele, 1 heterozygote.
Comment: This study involves interpretation of variants in research participants for the purpose of population health screening. Participant phenotype was not available at the time of variant classification. Additional details can be found in publication PMID: 35346344, PMCID: PMC8962531

NM_000138.5(FBN1):c.6968C>T (p.Thr2323Ile)

Gene: FBN1 (fibrillin 1; minus strand). Cytogenetic location: 15q21.1.
Variant type: single nucleotide variant.
Coding change: c.6968C>T on transcript NM_000138.5 (MANE Select); coding-DNA position 6968, C replaced by T.
Protein change: p.Thr2323Ile; replaces threonine 2323 with isoleucine.
Molecular consequence: missense variant.
Genome position (GRCh38, 1-based): chr15:48,428,375, G>A on the plus strand (C>T on the coding strand, the complement: FBN1 is on the minus strand). VCF-style: chr15-48428375-G-A. GRCh37 (hg19) VCF-style: chr15-48720572-G-A.
Other names: c.6968C>T, p.Thr2323Ile (NM_001406716.1); short protein forms T2323I.
Identifiers: ClinVar variation 3386763 (VCV003386763.1).
Genomic context (GRCh38, chr15:48,428,375, plus strand): 5'-GTTAGGAAAGTGCGGTGCCAACTGTACTCACCAAGGCACTCGTCCTGGTTGGGGCTGGCG[G>A]TAAACCCATCATTACACTCACAGGTGTAGCTCCCACGGGTGTTGAGGCAGCGCCCATTCT-3'
Protein context (NP_000129.3, residues 2313-2333): SYTCECNDGF[Thr2323Ile]ASPNQDECLD